The following is an entry in ClinVar:

ClinVar aggregate classification (germline): Uncertain significance (1 of 4 stars; one submission).

Conditions:
RANBP2-related disorder. Also called: RANBP2-related condition.

Submission:

PreventionGenetics, part of Exact Sciences
Classification: Uncertain significance for RANBP2-related condition. Last evaluated: 2023-06-08. Review status: criteria provided, single submitter. Criteria: ACMG Guidelines, 2015. Collection method: clinical testing. Allele origin: germline.
Comment: The RANBP2 c.9043G>T variant is predicted to result in the amino acid substitution p.Ala3015Ser. To our knowledge, this variant has not been reported in the literature or in a large population database, indicating this variant is rare. At this time, the clinical significance of this variant is uncertain due to the absence of conclusive functional and genetic evidence.

NM_006267.5(RANBP2):c.9043G>T (p.Ala3015Ser)

Gene: RANBP2 (RAN binding protein 2; plus strand). Cytogenetic location: 2q13.
Variant type: single nucleotide variant.
Coding change: c.9043G>T on transcript NM_006267.5 (MANE Select); coding-DNA position 9043, G replaced by T.
Protein change: p.Ala3015Ser; replaces alanine 3015 with serine.
Molecular consequence: missense variant.
Genome position (GRCh38, 1-based): chr2:108,782,536, G>T. VCF-style: chr2-108782536-G-T. GRCh37 (hg19) VCF-style: chr2-109398992-G-T.
Other names: c.9121G>T, p.Ala3041Ser (NM_001415871.1); c.9040G>T, p.Ala3014Ser (NM_001415872.1); c.9067G>T, p.Ala3023Ser (NM_001415873.1); short protein forms A3014S, A3015S, A3023S, A3041S.
Identifiers: ClinVar variation 2632440 (VCV002632440.1), dbSNP rs2467760845, ClinGen allele CA348085050.